The following is an entry in ClinVar:

ClinVar aggregate classification (germline): Benign (1 of 4 stars; one submission).

Conditions:
Glycogen storage disease IXd (GSD9D). Also called: GSD IXd; Muscle Phosphorylase Kinase Deficiency. Identifiers: Orphanet 715, MedGen C1845151, MONDO:0010362, OMIM 300559.

Allele frequency attached by ClinVar (database versions not stated): TOPMed 0.00384; 1000 Genomes Project 0.00530; 1000 Genomes Project 30x 0.00541.

Submission:

Illumina Laboratory Services, Illumina
Classification: Benign for Glycogen storage disease IXd. Last evaluated: 2018-01-13. Review status: criteria provided, single submitter. Criteria: ICSL Variant Classification Criteria 13 December 2019. Collection method: clinical testing. Allele origin: germline.
Comment: This variant was observed in the ICSL laboratory as part of a predisposition screen in an ostensibly healthy population. It had not been previously curated by ICSL or reported in the Human Gene Mutation Database (HGMD: prior to June 1st, 2018), and was therefore a candidate for classification through an automated scoring system. Utilizing variant allele frequency, disease prevalence and penetrance estimates, and inheritance mode, an automated score was calculated to assess if this variant is too frequent to cause the disease. Based on the score and internal cut-off values, a variant classified as benign is not then subjected to further curation. The score for this variant resulted in a classification of benign for this disease.

NM_002637.4(PHKA1):c.*1375A>G

Gene: PHKA1 (phosphorylase kinase regulatory subunit alpha 1; minus strand). Cytogenetic location: Xq13.1.
Variant type: single nucleotide variant.
Coding change: c.*1375A>G on transcript NM_002637.4 (MANE Select); 1375 bases downstream of the stop codon, A replaced by G.
Molecular consequence: 3 prime UTR variant.
Genome position (GRCh38, 1-based): chrX:72,579,627, T>C on the plus strand (A>G on the coding strand, the complement: PHKA1 is on the minus strand). VCF-style: chrX-72579627-T-C. GRCh37 (hg19) VCF-style: chrX-71799477-T-C.
Other names: c.*1375A>G (NM_001122670.2, NM_001172436.2).
Identifiers: ClinVar variation 912524 (VCV000912524.4), dbSNP rs142925152, ClinGen allele CA331064040.
Genomic context (GRCh38, chrX:72,579,627, plus strand): 5'-AAGAGGACTGAAGCTATTCTTCCACCAATCTGTGTGTGTCAATCTGAGTCCACAGTCACA[T>C]CCCTTCTCTCACATGCAACATTCTTACTCAGTCCATCAAATGTAGATACAGATTGATATA-3'